The following is an entry in ClinVar:

NM_000352.6(ABCC8):c.4199-6A>G

Gene: ABCC8 (ATP binding cassette subfamily C member 8; minus strand). Cytogenetic location: 11p15.1.
Variant type: single nucleotide variant.
Coding change: c.4199-6A>G on transcript NM_000352.6 (MANE Select); 6 bases into the intron before coding-DNA position 4199, A replaced by G.
Molecular consequence: intron variant.
Genome position (GRCh38, 1-based): chr11:17,395,724, T>C on the plus strand (A>G on the coding strand, the complement: ABCC8 is on the minus strand). VCF-style: chr11-17395724-T-C. GRCh37 (hg19) VCF-style: chr11-17417271-T-C.
Other names: c.4196-6A>G (NM_001351297.2); c.4199-6A>G (NM_001351296.2); c.4265-6A>G (NM_001351295.2); c.4202-6A>G (NM_001287174.3).
Identifiers: ClinVar variation 794723 (VCV000794723.9), dbSNP rs1591710040, ClinGen allele CA915947966.

ClinVar aggregate classification (germline): Conflicting classifications of pathogenicity. Review status: criteria provided, conflicting classifications (1 of 4 stars). 3 submissions from 2 submitters: Uncertain significance (2); Likely benign (1). Last evaluated 2021-12-01.

Conditions:
Transitory neonatal diabetes mellitus. Also called: Transient neonatal diabetes mellitus. Identifiers: MedGen C0342273, MONDO:0020525, HP:0008255.
Maturity-onset diabetes of the young (MODY). Also called: Maturity onset diabetes mellitus in young. Identifiers: Orphanet 552, MedGen C0342276, MONDO:0018911, HP:0004904.

Submissions (3):

Labcorp Genetics (formerly Invitae), Labcorp
Classification: Likely benign. Last evaluated: 2021-12-01. Review status: criteria provided, single submitter. Criteria: Invitae Variant Classification Sherloc (09022015). Collection method: clinical testing. Allele origin: germline.

Clinical Genomics, Uppaluri K&H Personalized Medicine Clinic
Classification: Uncertain significance for Transitory neonatal diabetes mellitus. Review status: criteria provided, single submitter. Criteria: K & H Uppaluri Personalized Medicine Clinic Variant Classification & Assertion Criteria_Updated V.1. Collection method: research. Allele origin: somatic. Inheritance: Somatic mutation.
Comment: Mutations in ABCC8 gene are associated with both neonatal diabetes mellitus as well as MODY. Patients with this mutation may have a better response to sulfonylureas. However, no sufficient evidence is found to ascertain the role of this particular variant (rs1591710040 ) in neonatal diabetes yet.

Clinical Genomics, Uppaluri K&H Personalized Medicine Clinic
Classification: Uncertain significance for Maturity-onset diabetes of the young. Review status: criteria provided, single submitter. Criteria: K & H Uppaluri Personalized Medicine Clinic Variant Classification & Assertion Criteria_Updated V.1. Collection method: research. Allele origin: somatic. Inheritance: Somatic mutation.
Comment: Mutations in ABCC8 gene are associated with both neonatal diabetes mellitus as well as MODY. Patients with this mutation may have a better response to sulfonylureas. However, no sufficient evidence is found to ascertain the role of this particular variant ( rs1591710040) in MODY yet.

Literature cited by the submitters: PubMed 16885549 (cited by Clinical Genomics, Uppaluri K&H Personalized Medicine Clinic); PubMed 21989597 (cited by Clinical Genomics, Uppaluri K&H Personalized Medicine Clinic); PubMed 27538677 (cited by Clinical Genomics, Uppaluri K&H Personalized Medicine Clinic); PubMed 18981553 (cited by Clinical Genomics, Uppaluri K&H Personalized Medicine Clinic); PubMed 32027066 (cited by Clinical Genomics, Uppaluri K&H Personalized Medicine Clinic); PubMed 16613899 (cited by Clinical Genomics, Uppaluri K&H Personalized Medicine Clinic); PubMed 18025408 (cited by Clinical Genomics, Uppaluri K&H Personalized Medicine Clinic); PubMed 32792356 (cited by Clinical Genomics, Uppaluri K&H Personalized Medicine Clinic).